The following is an entry in ClinVar:

NM_021074.5(NDUFV2):c.656+8T>A

Genes: NDUFV2 (NADH:ubiquinone oxidoreductase core subunit V2; plus strand), NDUFV2-AS1 (NDUFV2 antisense RNA 1; minus strand). Cytogenetic location: 18p11.22.
Variant type: single nucleotide variant.
Coding change: c.656+8T>A on transcript NM_021074.5 (MANE Select); 8 bases into the intron after coding-DNA position 656, T replaced by A.
Molecular consequence: intron variant.
Genome position (GRCh38, 1-based): chr18:9,126,915, T>A. VCF-style: chr18-9126915-T-A. GRCh37 (hg19) VCF-style: chr18-9126913-T-A.
Identifiers: ClinVar variation 3062026 (VCV003062026.1), dbSNP rs766684678, ClinGen allele CA8887290.
Genomic context (GRCh38, chr18:9,126,915, plus strand): 5'-GAAGAAATTATTGATGAGCTCAAGGCTGGCAAAATCCCAAAACCAGGGCCAAGGTATGCT[T>A]TATTTATATATAGGAAGTTTTAGTGGCTCACCTAAATTAATCTTTCAGATAAACTTGATT-3'

ClinVar aggregate classification (germline): Uncertain significance (1 of 4 stars; one submission).

Conditions:
Mitochondrial complex I deficiency, nuclear type 7. Also called: Mitochondrial complex 1 deficiency, nuclear type 7. Identifiers: MedGen C4748760, MONDO:0032612, OMIM 618229.

Allele frequency attached by ClinVar (database versions not stated): gnomAD exomes below 0.00001; ExAC 0.00002.
gnomAD v4.1: 3 of 1,610,416 alleles (0.00019%); highest among the groups gnomAD compares: South Asian, 0.0033%; no homozygotes.

Submission:

Neuberg Centre For Genomic Medicine, NCGM
Classification: Uncertain significance for Mitochondrial complex I deficiency, nuclear type 7. Review status: criteria provided, single submitter. Criteria: ACMG Guidelines, 2015. Collection method: clinical testing. Allele origin: germline. Inheritance: Autosomal recessive inheritance. Affected: yes.
Comment: The splice region c.656+8T>A variant in NDUFV2 gene has not been reported previously as a pathogenic variant nor a benign variant, to our knowledge. The c.656+8T>A variant has been reported with allele frequency of 0.0004% in gnomAD Exomes and is novel (not in any individuals) in 1000 Genomes. This variant has not been reported to the ClinVar database. Additional functional studies will be required to prove the pathogenicity of this variant. For these reasons, this variant has been classified as a Uncertain significance (VUS).